The following is an entry in ClinVar:

ClinVar aggregate classification (germline): Uncertain significance (1 of 4 stars; one submission).

Conditions:
Severe myoclonic epilepsy in infancy (DRVT). Also called: Dravet syndrome; DEVELOPMENTAL AND EPILEPTIC ENCEPHALOPATHY 6A; Epileptic encephalopathy, early infantile, 6 (Dravet syndrome); Severe Myoclonic Epilepsy in Infancy (SMEI); SEVERE MYOCLONIC EPILEPSY OF INFANCY. Identifiers: Orphanet 33069, MedGen C0751122, MONDO:0100135, OMIM 607208.

Allele frequency attached by ClinVar (database versions not stated): gnomAD exomes below 0.00001.
gnomAD v4.1: 1 of 1,610,314 alleles (0.000062%); highest among the groups gnomAD compares: Non-Finnish European, 0.000085%; no homozygotes.

Submission:

Rady Children's Institute for Genomic Medicine, Rady Children's Hospital San Diego
Classification: Uncertain significance for Severe myoclonic epilepsy in infancy. Last evaluated: 2019-08-19. Review status: criteria provided, single submitter. Criteria: ACMG Guidelines, 2015. Collection method: clinical testing. Allele origin: germline. Affected: yes.
Comment: This variant has not been previously reported or functionally characterized in the literature to our knowledge. It is absent from the ExAC and gnomAD population databases and thus is presumed to be rare. The c.3844A>G (p.Asn1282Asp) variant affects a highly conserved amino acid and is predicted by multiple in silico tools to have a deleterious effect on protein function. Based on the available evidence, the c.3844A>G (p.Asn1282Asp) variant is classified as a Variant of Uncertain Significance.

NM_001165963.4(SCN1A):c.3844A>G (p.Asn1282Asp)

Genes: SCN1A (sodium voltage-gated channel alpha subunit 1; minus strand), LOC102724058 (uncharacterized LOC102724058; plus strand). Cytogenetic location: 2q24.3.
Variant type: single nucleotide variant.
Coding change: c.3844A>G on transcript NM_001165963.4 (MANE Select); coding-DNA position 3844, A replaced by G.
Protein change: p.Asn1282Asp; replaces asparagine 1282 with aspartic acid.
Molecular consequence: missense variant. On other transcripts: non-coding transcript variant (1).
Genome position (GRCh38, 1-based): chr2:166,012,144, T>C on the plus strand (A>G on the coding strand, the complement: SCN1A is on the minus strand). VCF-style: chr2-166012144-T-C. GRCh37 (hg19) VCF-style: chr2-166868654-T-C.
Other names: c.3760A>G, p.Asn1254Asp (NM_001165964.3, NM_001353957.2, NM_001353958.2); c.3844A>G, p.Asn1282Asp (NM_001202435.3, NM_001353948.2); c.3811A>G, p.Asn1271Asp (NM_001353949.2, NM_001353950.2, NM_001353951.2 and 2 more transcripts); c.3808A>G, p.Asn1270Asp (NM_001353954.2, NM_001353955.2); c.3757A>G, p.Asn1253Asp (NM_001353960.2); c.1402A>G, p.Asn468Asp (NM_001353961.2); short protein forms N1253D, N1254D, N1270D, N1271D, N1282D, N468D.
Identifiers: ClinVar variation 981165 (VCV000981165.1), dbSNP rs1692549700, ClinGen allele CA349054014.